The following is an entry in ClinVar:

ClinVar aggregate classification (germline): Benign. Review status: criteria provided, multiple submitters, no conflicts (2 of 4 stars). 8 submissions from 8 submitters: Benign (6). 2 of the submissions do not count toward it. Last evaluated 2024-11-28.

Conditions:
Spinocerebellar ataxia type 35. Identifiers: Orphanet 276193, MedGen C3888031, MONDO:0013485, OMIM 613908.

Allele frequency attached by ClinVar (database versions not stated): ESP Exome Variant Server 0.34669; gnomAD exomes 0.36758 and 0.41449; ExAC 0.41746; gnomAD 0.44564 and 0.44688; TOPMed 0.45649; 1000 Genomes Project 0.51318; 1000 Genomes Project 30x 0.51437.
gnomAD v4.1: 606,434 of 1,613,432 alleles (38%); highest among the groups gnomAD compares: African/African-American, 63%; 119,099 homozygotes.

Submissions (8):

Blueprint Genetics
Classification: Benign. Last evaluated: 2024-11-28. Review status: criteria provided, single submitter. Criteria: ACMG Guidelines, 2015. Collection method: clinical testing. Allele origin: germline.

Genome-Nilou Lab
Classification: Benign for Spinocerebellar ataxia type 35. Last evaluated: 2021-09-10. Review status: criteria provided, single submitter. Criteria: ACMG Guidelines, 2015. Collection method: clinical testing. Allele origin: germline. Affected: no.

GeneDx
Classification: Benign. Last evaluated: 2019-09-25. Review status: criteria provided, single submitter. Criteria: GeneDx Variant Classification Process June 2021. Collection method: clinical testing. Allele origin: germline. Affected: yes.

Illumina Laboratory Services, Illumina
Classification: Benign for Spinocerebellar ataxia type 35. Last evaluated: 2018-01-12. Review status: criteria provided, single submitter. Criteria: ICSL Variant Classification Criteria 13 December 2019. Collection method: clinical testing. Allele origin: germline.
Comment: This variant was observed in the ICSL laboratory as part of a predisposition screen in an ostensibly healthy population. It had not been previously curated by ICSL or reported in the Human Gene Mutation Database (HGMD: prior to June 1st, 2018), and was therefore a candidate for classification through an automated scoring system. Utilizing variant allele frequency, disease prevalence and penetrance estimates, and inheritance mode, an automated score was calculated to assess if this variant is too frequent to cause the disease. Based on the score and internal cut-off values, a variant classified as benign is not then subjected to further curation. The score for this variant resulted in a classification of benign for this disease.

Clinical Genetics DNA and cytogenetics Diagnostics Lab, Erasmus MC, Erasmus Medical Center
Classification: Benign for Spinocerebellar ataxia type 35. Last evaluated: 2015-09-21. Review status: criteria provided, single submitter. Criteria: ACGS Guidelines, 2013. Collection method: clinical testing. Allele origin: germline. Affected: yes. Study: VKGL Data-share Consensus.

Breakthrough Genomics
Classification: Benign. Review status: criteria provided, single submitter. Criteria: ACMG Guidelines, 2015. Collection method: not provided. Allele origin: germline. Inheritance: Autosomal dominant inheritance. Affected: yes.

Diagnostic Laboratory, Department of Genetics, University Medical Center Groningen
Classification: Benign for Spinocerebellar ataxia type 35. Review status: no assertion criteria provided. Collection method: clinical testing. Allele origin: germline. Affected: yes. Study: VKGL Data-share Consensus. Not counted in ClinVar's aggregate classification.

Joint Genome Diagnostic Labs from Nijmegen and Maastricht, Radboudumc and MUMC+
Classification: Benign. Review status: no assertion criteria provided. Collection method: clinical testing. Allele origin: germline. Affected: yes. Study: VKGL Data-share Consensus. Not counted in ClinVar's aggregate classification.

NM_198994.3(TGM6):c.1968-11C>T

Gene: TGM6 (transglutaminase 6; plus strand). Cytogenetic location: 20p13.
Variant type: single nucleotide variant.
Coding change: c.1968-11C>T on transcript NM_198994.3 (MANE Select); 11 bases into the intron before coding-DNA position 1968, C replaced by T.
Molecular consequence: intron variant.
Genome position (GRCh38, 1-based): chr20:2,432,479, C>T. VCF-style: chr20-2432479-C-T. GRCh37 (hg19) VCF-style: chr20-2413125-C-T.
Other names: c.1834-11C>T (NM_001254734.2).
Identifiers: ClinVar variation 337938 (VCV000337938.15), dbSNP rs2076653, ClinGen allele CA9732261.
Genomic context (GRCh38, chr20:2,432,479, plus strand): 5'-TGGATTGGCAGGCCAGACTCAGAATGGCAAGAGGACTGACAGTCTGCCTTTCTCCCCTCC[C>T]CTTCCTCCAGCGTGCCTACCCTGGAGCCTCAGGAGAGGGCCTCAGTCCAGTTTGACATCA-3'